The following is an entry in ClinVar:

NM_139057.4(ADAMTS17):c.1576-1G>T

Gene: ADAMTS17 (ADAM metallopeptidase with thrombospondin type 1 motif 17; minus strand). Cytogenetic location: 15q26.3.
Variant type: single nucleotide variant.
Coding change: c.1576-1G>T on transcript NM_139057.4 (MANE Select); the canonical splice acceptor site of the intron before coding-DNA position 1576, G replaced by T.
Molecular consequence: splice acceptor variant.
Genome position (GRCh38, 1-based): chr15:100,132,153, C>A on the plus strand (G>T on the coding strand, the complement: ADAMTS17 is on the minus strand). VCF-style: chr15-100132153-C-A. GRCh37 (hg19) VCF-style: chr15-100672358-C-A.
Identifiers: ClinVar variation 1499703 (VCV001499703.11), dbSNP rs1235770156, ClinGen allele CA393933792.
Genomic context (GRCh38, chr15:100,132,153, plus strand): 5'-GTCTCCGTCCACATGCTCCGGGATGGGCGTCTTGCTCACGCACTCCCCCGCGCGGCACCA[C>A]TGAAACACAGCGGGGAGGGTCGGGGCCCAGGCACTCAGCAGAGCTGCTCACTCCAGCCCG-3'

ClinVar aggregate classification (germline): Likely pathogenic. Review status: criteria provided, multiple submitters, no conflicts (2 of 4 stars). 3 submissions from 3 submitters: Likely pathogenic (3). Last evaluated 2025-12-02.

Conditions:
ADAMTS17-related disorder. Also called: ADAMTS17-related condition.
Weill-Marchesani 4 syndrome, recessive. Also called: Weill-Marchesani syndrome 4. Identifiers: Orphanet 363992, MedGen C2750787, MONDO:0013176, OMIM 613195.

Allele frequency attached by ClinVar (database versions not stated): gnomAD exomes below 0.00001; TOPMed 0.00001.
gnomAD v4.1: 5 of 1,613,272 alleles (0.00031%); highest among the groups gnomAD compares: African/African-American, 0.0013%; no homozygotes.

Submissions (3):

Dasa
Classification: Likely pathogenic for Weill-Marchesani 4 syndrome, recessive. Last evaluated: 2025-12-02. Review status: criteria provided, single submitter. Criteria: DASA Assertion Criteria. Collection method: clinical testing. Allele origin: germline.
Comment: NM_139057.4(ADAMTS17):c.1576-1G>T affects a canonical splice site and is predicted to disrupt normal RNA splicing. Loss of function is an established disease mechanism for ADAMTS17-associated disorders. Also, this variant is rare in population databases. Based on the currently available evidence, this variant is classified as likely pathogenic.

Blueprint Genetics
Classification: Likely pathogenic for ADAMTS17-related disorders. Last evaluated: 2024-08-27. Review status: criteria provided, single submitter. Criteria: ACMG Guidelines, 2015. Collection method: clinical testing. Allele origin: germline. Affected: yes. Observed: 1 variant allele.

Labcorp Genetics (formerly Invitae), Labcorp
Classification: Likely pathogenic. Last evaluated: 2022-06-23. Review status: criteria provided, single submitter. Criteria: Invitae Variant Classification Sherloc (09022015). Collection method: clinical testing. Allele origin: germline.
Comment: This sequence change affects an acceptor splice site in intron 11 of the ADAMTS17 gene. It is expected to disrupt RNA splicing. Variants that disrupt the donor or acceptor splice site typically lead to a loss of protein function (PMID: 16199547), and loss-of-function variants in ADAMTS17 are known to be pathogenic (PMID: 19836009, 24940034). The frequency data for this variant in the population databases is considered unreliable, as metrics indicate poor data quality at this position in the gnomAD database. This variant has not been reported in the literature in individuals affected with ADAMTS17-related conditions. Algorithms developed to predict the effect of sequence changes on RNA splicing suggest that this variant may disrupt the consensus splice site. In summary, the currently available evidence indicates that the variant is pathogenic, but additional data are needed to prove that conclusively. Therefore, this variant has been classified as Likely Pathogenic.

Literature cited by the submitters: PubMed 16199547 (cited by Labcorp Genetics (formerly Invitae), Labcorp); PubMed 19836009 (cited by Labcorp Genetics (formerly Invitae), Labcorp); PubMed 24940034 (cited by Labcorp Genetics (formerly Invitae), Labcorp).